The following is an entry in ClinVar:

NM_000135.4(FANCA):c.576C>A (p.Ser192Arg)

Gene: FANCA (FA complementation group A; minus strand). Cytogenetic location: 16q24.3.
Variant type: single nucleotide variant.
Coding change: c.576C>A on transcript NM_000135.4 (MANE Select); coding-DNA position 576, C replaced by A.
Protein change: p.Ser192Arg; replaces serine 192 with arginine.
Molecular consequence: missense variant.
Genome position (GRCh38, 1-based): chr16:89,808,314, G>T on the plus strand (C>A on the coding strand, the complement: FANCA is on the minus strand). VCF-style: chr16-89808314-G-T. GRCh37 (hg19) VCF-style: chr16-89874722-G-T.
Other names: c.576C>A, p.Ser192Arg (NM_001018112.3, NM_001286167.3); c.480C>A, p.Ser160Arg (NM_001351830.2); short protein forms S160R, S192R.
Identifiers: ClinVar variation 5036314 (VCV005036314.1).

ClinVar aggregate classification (germline): Uncertain significance (1 of 4 stars; one submission).

Conditions:
Inborn genetic diseases. Identifiers: MedGen C0950123, MeSH D030342.

Submission:

Ambry Genetics
Classification: Uncertain significance for Inborn genetic diseases. Last evaluated: 2026-06-20. Review status: criteria provided, single submitter. Criteria: Ambry Variant Classification Scheme 2023. Collection method: clinical testing. Allele origin: germline.
Comment: The p.S192R variant (also known as c.576C>A), located in coding exon 6 of the FANCA gene, results from a C to A substitution at nucleotide position 576. The serine at codon 192 is replaced by arginine, an amino acid with dissimilar properties. This amino acid position is conserved. In addition, this alteration is predicted to be tolerated by in silico analysis. Based on the available evidence, the clinical significance of this variant remains unclear.